The following is an entry in ClinVar:

ClinVar aggregate classification (germline): Uncertain significance. Review status: criteria provided, multiple submitters, no conflicts (2 of 4 stars). 2 submissions from 2 submitters: Uncertain significance (2). Last evaluated 2025-03-26.

Allele frequency attached by ClinVar (database versions not stated): gnomAD 0.00003; TOPMed 0.00004.

Submissions (2):

GeneDx
Classification: Uncertain significance. Last evaluated: 2025-03-26. Review status: criteria provided, single submitter. Criteria: GeneDx Variant Classification Process June 2021. Collection method: clinical testing. Allele origin: germline. Affected: yes.
Comment: In silico analysis indicates that this missense variant does not alter protein structure/function; Has not been previously published as pathogenic or benign to our knowledge

Labcorp Genetics (formerly Invitae), Labcorp
Classification: Uncertain significance. Last evaluated: 2022-02-24. Review status: criteria provided, single submitter. Criteria: Invitae Variant Classification Sherloc (09022015). Collection method: clinical testing. Allele origin: germline.
Comment: In summary, the available evidence is currently insufficient to determine the role of this variant in disease. Therefore, it has been classified as a Variant of Uncertain Significance. Algorithms developed to predict the effect of missense changes on protein structure and function output the following: SIFT: "Not Available"; PolyPhen-2: "Benign"; Align-GVGD: "Not Available". The threonine amino acid residue is found in multiple mammalian species, which suggests that this missense change does not adversely affect protein function. This variant has not been reported in the literature in individuals affected with AMH-related conditions. This variant is present in population databases (rs749993067, gnomAD 0.01%). This sequence change replaces alanine, which is neutral and non-polar, with threonine, which is neutral and polar, at codon 78 of the AMH protein (p.Ala78Thr).

NM_000479.5(AMH):c.232G>A (p.Ala78Thr)

Gene: AMH (anti-Mullerian hormone; plus strand). Cytogenetic location: 19p13.3.
Variant type: single nucleotide variant.
Coding change: c.232G>A on transcript NM_000479.5 (MANE Select); coding-DNA position 232, G replaced by A.
Protein change: p.Ala78Thr; replaces alanine 78 with threonine.
Molecular consequence: missense variant.
Genome position (GRCh38, 1-based): chr19:2,249,564, G>A. VCF-style: chr19-2249564-G-A. GRCh37 (hg19) VCF-style: chr19-2249563-G-A.
Other names: c.232G>A (NM_000479.3); short protein forms A78T.
Identifiers: ClinVar variation 2073897 (VCV002073897.5), dbSNP rs749993067, ClinGen allele CA9062771.
Genomic context (GRCh38, chr19:2,249,564, plus strand): 5'-GCACTGGGCGGGGACAGCAATGGCAGCAGCTCCCCCCTGCGGGTGGTGGGGGCTCTAAGC[G>A]CCTATGAGCAGGCCTTCCTGGGGGCCGTGCAGAGGGCCCGCTGGGGCCCCCGAGACCTGG-3'
Protein context (NP_000470.3, residues 68-88): SPLRVVGALS[Ala78Thr]YEQAFLGAVQ